The following is an entry in ClinVar:

ClinVar aggregate classification (germline): Uncertain significance (1 of 4 stars; one submission).

Submission:

Labcorp Genetics (formerly Invitae), Labcorp
Classification: Uncertain significance. Last evaluated: 2025-08-07. Review status: criteria provided, single submitter. Criteria: Invitae Variant Classification Sherloc (09022015). Collection method: clinical testing. Allele origin: germline.
Comment: This sequence change replaces glutamine, which is neutral and polar, with lysine, which is basic and polar, at codon 767 of the HYOU1 protein (p.Gln767Lys). Information on the frequency of this variant in the gnomAD database is not available, as this variant may be reported differently in the database. This variant has not been reported in the literature in individuals affected with HYOU1-related conditions. Experimental studies and prediction algorithms are not available or were not evaluated, and the functional significance of this variant is currently unknown. In summary, the available evidence is currently insufficient to determine the role of this variant in disease. Therefore, it has been classified as a Variant of Uncertain Significance.

NM_006389.5(HYOU1):c.2298_2299delinsAA (p.Gln767Lys)

Gene: HYOU1 (hypoxia up-regulated 1; minus strand). Cytogenetic location: 11q23.3.
Variant type: Indel.
Coding change: c.2298_2299delinsAA on transcript NM_006389.5 (MANE Select); coding-DNA positions 2298 to 2299, GC replaced by AA.
Protein change: p.Gln767Lys; replaces glutamine 767 with lysine.
Molecular consequence: missense variant.
Genome position (GRCh38, 1-based): chr11:119,048,325-119,048,326, GC replaced by TT on the plus strand (GC replaced by AA on the coding strand, the reverse complement: HYOU1 is on the minus strand). VCF-style: chr11-119048325-GC-TT. GRCh37 (hg19) VCF-style: chr11-118919037-GC-TT.
Other names: c.2298_2299delinsAA, p.Gln767Lys (NM_001130991.3, NM_001411041.1); short protein forms Q767K.
Identifiers: ClinVar variation 4725005 (VCV004725005.1).